The following continues an entry in ClinVar:

NM_004333.6(BRAF):c.1799T>A (p.Val600Glu)

Gene: BRAF. ClinVar aggregate classification (germline): Conflicting classifications of pathogenicity. Pathogenic (4); Likely pathogenic (1); Uncertain significance (1). ClinVar aggregate classification (somatic clinical impact): Tier I - Strong. ClinVar aggregate classification (oncogenicity): Oncogenic.

Submissions 5 to 14 of 45:

Institute for Genomic Medicine (IGM) Clinical Laboratory, Nationwide Children's Hospital
Classification: Tier I - Strong for Pleomorphic xanthoastrocytoma. Assertion type: diagnostic. Clinical significance: supports diagnosis. Last evaluated: 2025-05-12. Review status: criteria provided, single submitter. Criteria: AMP/ASCO/CAP Guidelines, 2017. Collection method: clinical testing. Allele origin: somatic. Affected: yes.
Comment: Variant has Tier I (strong) clinical significance as a diagnostic inclusion criterion in pleomorphic xanthoastrocytoma, based on the following evidence: 1) Documented in one or more cancer databases (e.g., St. Jude Pecan, COSMIC, CIViC, OncoKB). 2) Appears in one or more well-established professional guidelines (e.g., World Health Organization [WHO]; National Comprehensive Cancer Network [NCCN]) as providing diagnostic, prognostic, or therapeutic information. 3) Information in the literature supports potential biologic effect of variant (PMIDs: 15035987, 12068308, 19251651, 26343582). 4) Diagnostic for a specific tumor type/classification according to professional guidelines (Evidence Level A; PMIDs: 21274720, 21479234, 30051528, 32619305, 32289278).

Center for Genomic Medicine, Rigshospitalet, Copenhagen University Hospital
Classification: Oncogenic for Neoplasm. Last evaluated: 2025-03-04. Review status: criteria provided, single submitter. Criteria: ClinGen/CGC/VICC Guidelines for Oncogenicity, 2022. Collection method: clinical testing. Allele origin: somatic. Affected: yes.

Institute for Genomic Medicine (IGM) Clinical Laboratory, Nationwide Children's Hospital
Classification: Tier I - Strong for Benign metanephric tumor. Assertion type: diagnostic. Clinical significance: supports diagnosis. Last evaluated: 2025-01-30. Review status: criteria provided, single submitter. Criteria: AMP/ASCO/CAP Guidelines, 2017. Collection method: clinical testing. Allele origin: somatic. Affected: yes.
Comment: Variant has Tier I (strong) clinical significance as a diagnostic inclusion criterion in benign metanephric tumor, based on the following evidence: 1) Documented in one or more cancer databases (e.g., St. Jude Pecan, COSMIC, CIViC, OncoKB). 2) Appears in one or more well-established professional guidelines (e.g., World Health Organization [WHO]; National Comprehensive Cancer Network [NCCN]) as providing diagnostic, prognostic, or therapeutic information. 3) Information in the literature supports potential biologic effect of variant (PMID: 17496922). 4) Diagnostic for a specific tumor type/classification according to professional guidelines (Evidence Level A; PMIDs: 26796506, 26014474, 27769870, 32371339).

Labcorp Genetics (formerly Invitae), Labcorp
Classification: Uncertain significance for RASopathy. Last evaluated: 2025-01-23. Review status: criteria provided, single submitter. Criteria: Invitae Variant Classification Sherloc (09022015). Collection method: clinical testing. Allele origin: germline.
Comment: This sequence change replaces valine, which is neutral and non-polar, with glutamic acid, which is acidic and polar, at codon 600 of the BRAF protein (p.Val600Glu). The frequency data for this variant in the population databases is considered unreliable, as metrics indicate poor data quality at this position in the gnomAD database. This variant has been reported as a known somatic variant in various cancers but has not been reported in the literature in individuals affected with germline BRAF-related conditions. ClinVar contains an entry for this variant (Variation ID: 13961). Invitae Evidence Modeling incorporating data from in vitro experimental studies (internal data) indicates that this missense variant is expected to disrupt BRAF function with a positive predictive value of 95%. This variant disrupts the p.Val600 amino acid residue in BRAF. Other variant(s) that disrupt this residue have been determined to be pathogenic (internal data). This suggests that this residue is clinically significant, and that variants that disrupt this residue are likely to be disease-causing. In summary, the available evidence is currently insufficient to determine the role of this variant in disease. Therefore, it has been classified as a Variant of Uncertain Significance.

Institute for Genomic Medicine (IGM) Clinical Laboratory, Nationwide Children's Hospital
Classification: Tier II - Potential for Spindle cell sarcoma. Assertion type: diagnostic. Clinical significance: supports diagnosis. Last evaluated: 2025-01-16. Review status: criteria provided, single submitter. Criteria: AMP/ASCO/CAP Guidelines, 2017. Collection method: clinical testing. Allele origin: somatic. Affected: yes. Not counted in ClinVar's aggregate classification.
Comment: Variant has Tier II (potential) clinical significance as a diagnostic inclusion criterion in spindle cell sarcoma, based on the following evidence: 1) Documented in one or more cancer databases (e.g., St. Jude Pecan, COSMIC, CIViC, OncoKB). 2) Information in the literature supports potential biologic effect of variant. 3) Diagnostic significance based on multiple small studies (Evidence Level C; PMIDs: 12068308, 22142829, 32476297).

Institute for Genomic Medicine (IGM) Clinical Laboratory, Nationwide Children's Hospital
Classification: Tier I - Strong for Ganglioglioma. Assertion type: diagnostic. Clinical significance: supports diagnosis. Last evaluated: 2024-12-26. Review status: criteria provided, single submitter. Criteria: AMP/ASCO/CAP Guidelines, 2017. Collection method: clinical testing. Allele origin: somatic. Affected: yes.
Comment: Variant has Tier I (strong) clinical significance as a diagnostic inclusion criterion in ganglioglioma, based on the following evidence: 1) Documented in one or more cancer databases (e.g., St. Jude Pecan, COSMIC, CIViC, OncoKB). 2) Appears in one or more well-established professional guidelines (e.g., World Health Organization [WHO]; National Comprehensive Cancer Network [NCCN]) as providing diagnostic, prognostic, or therapeutic information. 3) Information in the literature supports potential biologic effect of variant (PMID: 17496922). 4) Diagnostic for a specific tumor type/classification according to professional guidelines (Evidence Level A; PMIDs: 34185076, 20156809, 21274720, 29880043, 32289278, 24238153).

Institute for Genomic Medicine (IGM) Clinical Laboratory, Nationwide Children's Hospital
Classification: Tier II - Potential for Neuroblastoma. Assertion type: diagnostic. Clinical significance: supports diagnosis. Last evaluated: 2024-12-23. Review status: criteria provided, single submitter. Criteria: AMP/ASCO/CAP Guidelines, 2017. Collection method: clinical testing. Allele origin: somatic. Affected: yes. Not counted in ClinVar's aggregate classification.
Comment: Variant has Tier II (potential) clinical significance as a diagnostic inclusion criterion in neuroblastoma, based on the following evidence: 1) Documented in one or more cancer databases (e.g., St. Jude Pecan, COSMIC, CIViC, OncoKB). 2) Information in the literature supports potential biologic effect of variant (PMIDs: 15035987, 12068308, 19251651, 26343582). 3) Diagnostic significance based on multiple small studies (Evidence Level C; PMIDs: 22142829, 26121087, 34331515, 33056981).

Institute for Genomic Medicine (IGM) Clinical Laboratory, Nationwide Children's Hospital
Classification: Tier I - Strong for Papillary thyroid carcinoma. Assertion type: diagnostic. Clinical significance: supports diagnosis. Last evaluated: 2024-12-18. Review status: criteria provided, single submitter. Criteria: AMP/ASCO/CAP Guidelines, 2017. Collection method: clinical testing. Allele origin: somatic. Affected: yes.
Comment: Variant has Tier I (strong) clinical significance as a diagnostic inclusion criterion in thyroid gland papillary carcinoma, based on the following evidence: 1) Documented in one or more cancer databases (e.g., St. Jude Pecan, COSMIC, CIViC, OncoKB). 2) Appears in one or more well-established professional guidelines (e.g., World Health Organization [WHO]; National Comprehensive Cancer Network [NCCN]) as providing diagnostic, prognostic, or therapeutic information. 3) Information in the literature supports potential biologic effect of variant. 4) Diagnostic for a specific tumor type/classification based on well-powered studies with expert-level consensus (Evidence Level B; PMIDs: 25417114, 12970315, 14508525, 21878896).

Institute for Genomic Medicine (IGM) Clinical Laboratory, Nationwide Children's Hospital
Classification: Tier I - Strong for IDH-wildtype glioblastoma. Assertion type: diagnostic. Clinical significance: supports diagnosis. Last evaluated: 2024-11-19. Review status: criteria provided, single submitter. Criteria: AMP/ASCO/CAP Guidelines, 2017. Collection method: clinical testing. Allele origin: somatic. Affected: yes.
Comment: Variant has Tier I (strong) clinical significance as a diagnostic inclusion criterion in IDH-wildtype glioblastoma, based on the following evidence: 1) Documented in one or more cancer databases (e.g., St. Jude Pecan, COSMIC, CIViC, OncoKB). 2) Appears in one or more well-established professional guidelines (e.g., World Health Organization [WHO]; National Comprehensive Cancer Network [NCCN]) as providing diagnostic, prognostic, or therapeutic information. 3) Information in the literature supports potential biologic effect of variant (PMID: 17496922). 4) Diagnostic for a specific tumor type/classification based on well-powered studies with expert-level consensus (Evidence Level B; PMIDs: 28990704, 23552385, 29105198, 29532523, 24127995).

Institute for Genomic Medicine (IGM) Clinical Laboratory, Nationwide Children's Hospital
Classification: Tier I - Strong for Pilocytic astrocytoma. Assertion type: diagnostic. Clinical significance: supports diagnosis. Last evaluated: 2024-10-30. Review status: criteria provided, single submitter. Criteria: AMP/ASCO/CAP Guidelines, 2017. Collection method: clinical testing. Allele origin: somatic. Affected: yes.
Comment: Variant has Tier I (strong) clinical significance as a diagnostic inclusion criterion in pilocytic astrocytoma, based on the following evidence: 1) Documented in one or more cancer databases (e.g., St. Jude Pecan, COSMIC, CIViC, OncoKB). 2) Appears in one or more well-established professional guidelines (e.g., World Health Organization [WHO]; National Comprehensive Cancer Network [NCCN]) as providing diagnostic, prognostic, or therapeutic information. 3) Information in the literature supports potential biologic effect of variant (PMID: 17496922). 4) Diagnostic for a specific tumor type/classification based on well-powered studies with expert-level consensus (Evidence Level B; PMIDs: 23583981, 23817572, 32289278, 34718782).